The following is an entry in ClinVar:

ClinVar aggregate classification (germline): Pathogenic (1 of 4 stars; one submission).

Conditions:
Tuberous sclerosis 1 (TSC1). Identifiers: Orphanet 805, MedGen C1854465, MONDO:0008612, OMIM 191100.

Submission:

Labcorp Genetics (formerly Invitae), Labcorp
Classification: Pathogenic for Tuberous sclerosis 1. Last evaluated: 2024-06-13. Review status: criteria provided, single submitter. Criteria: Invitae Variant Classification Sherloc (09022015). Collection method: clinical testing. Allele origin: germline.
Comment: This sequence change creates a premature translational stop signal (p.Gln435Leufs*7) in the TSC1 gene. It is expected to result in an absent or disrupted protein product. Loss-of-function variants in TSC1 are known to be pathogenic (PMID: 10227394, 17304050). This variant is not present in population databases (gnomAD no frequency). This variant has not been reported in the literature in individuals affected with TSC1-related conditions. For these reasons, this variant has been classified as Pathogenic.

Literature cited by the submitters: PubMed 10227394; PubMed 17304050.

NM_000368.5(TSC1):c.1303_1304insT (p.Gln435fs)

Gene: TSC1 (TSC complex subunit 1; minus strand). Cytogenetic location: 9q34.13.
Variant type: Insertion.
Coding change: c.1303_1304insT on transcript NM_000368.5 (MANE Select); coding-DNA positions 1303 to 1304, T inserted.
Protein change: p.Gln435fs; shifts the reading frame from glutamine 435.
Molecular consequence: frameshift variant. On other transcripts: non-coding transcript variant (5).
Genome position: GRCh38 VCF-style: chr9-132907330-T-TA. GRCh37 (hg19) VCF-style: chr9-135782717-T-TA.
Other names: c.1303_1304insT, p.Gln435fs (NM_001406602.1, NM_001406605.1, NM_001406606.1 and 7 more transcripts); c.1300_1301insT, p.Gln434fs (NM_001406603.1, NM_001406604.1, NM_001406608.1 and 6 more transcripts); c.937_938insT, p.Gln313fs (NM_001406620.1, NM_001406621.1, NM_001406622.1 and 2 more transcripts); c.940_941insT, p.Gln314fs (NM_001406624.1, NM_001406614.1, NM_001406615.1 and 5 more transcripts); c.352_353insT, p.Gln118fs (NM_001406626.1); c.349_350insT, p.Gln117fs (NM_001406627.1, NM_001406628.1); c.250_251insT, p.Gln84fs (NM_001406629.1, NM_001406630.1); c.1150_1151insT, p.Gln384fs (NM_001406610.1, NM_001162427.2); and 1 more; short protein forms Q313fs, Q314fs, Q434fs, Q117fs, Q383fs, Q435fs, Q118fs, Q384fs.
Identifiers: ClinVar variation 3656537 (VCV003656537.2).